The following is an entry in ClinVar:

ClinVar aggregate classification (germline): Uncertain significance. Review status: criteria provided, multiple submitters, no conflicts (2 of 4 stars). 3 submissions from 3 submitters: Uncertain significance (3). Last evaluated 2025-12-15.

Conditions:
Inborn genetic diseases. Identifiers: MedGen C0950123, MeSH D030342.

Allele frequency attached by ClinVar (database versions not stated): gnomAD 0.00001; TOPMed 0.00001; gnomAD exomes 0.00002; ExAC 0.00003.
gnomAD v4.1: 13 of 1,611,680 alleles (0.00081%); highest among the groups gnomAD compares: Admixed American, 0.0033%; no homozygotes.

Submissions (3):

Ambry Genetics
Classification: Uncertain significance for Inborn genetic diseases. Last evaluated: 2025-12-15. Review status: criteria provided, single submitter. Criteria: Ambry Variant Classification Scheme 2023. Collection method: clinical testing. Allele origin: germline.

CeGaT Center for Human Genetics Tuebingen
Classification: Uncertain significance. Last evaluated: 2023-10-01. Review status: criteria provided, single submitter. Criteria: CeGaT Center For Human Genetics Tuebingen Variant Classification Criteria Version 2. Collection method: clinical testing. Allele origin: germline. Affected: yes. Observed: 1 variant allele.

Labcorp Genetics (formerly Invitae), Labcorp
Classification: Uncertain significance. Last evaluated: 2022-05-04. Review status: criteria provided, single submitter. Criteria: Invitae Variant Classification Sherloc (09022015). Collection method: clinical testing. Allele origin: germline.
Comment: This sequence change replaces glutamic acid, which is acidic and polar, with glutamine, which is neutral and polar, at codon 822 of the COL18A1 protein (p.Glu822Gln). This variant is present in population databases (rs778082909, gnomAD 0.003%). This variant has not been reported in the literature in individuals affected with COL18A1-related conditions. ClinVar contains an entry for this variant (Variation ID: 1004572). Experimental studies and prediction algorithms are not available or were not evaluated, and the functional significance of this variant is currently unknown. In summary, the available evidence is currently insufficient to determine the role of this variant in disease. Therefore, it has been classified as a Variant of Uncertain Significance.

NM_001379500.1(COL18A1):c.2464G>C (p.Glu822Gln)

Gene: COL18A1 (collagen type XVIII alpha 1 chain; plus strand). Cytogenetic location: 21q22.3.
Variant type: single nucleotide variant.
Coding change: c.2464G>C on transcript NM_001379500.1 (MANE Select); coding-DNA position 2464, G replaced by C.
Protein change: p.Glu822Gln; replaces glutamic acid 822 with glutamine.
Molecular consequence: missense variant.
Genome position (GRCh38, 1-based): chr21:45,495,388, G>C. VCF-style: chr21-45495388-G-C. GRCh37 (hg19) VCF-style: chr21-46915302-G-C.
Other names: NM_130445.2:c.2464G>C; c.3004G>C, p.Glu1002Gln (NM_030582.4); c.3709G>C, p.Glu1237Gln (NM_130444.3); short protein forms E1002Q, E1237Q, E822Q.
Identifiers: ClinVar variation 1004572 (VCV001004572.29), dbSNP rs778082909, ClinGen allele CA10067111.